The following is an entry in ClinVar:

ClinVar aggregate classification (germline): Uncertain significance. Review status: criteria provided, multiple submitters, no conflicts (2 of 4 stars). 3 submissions from 3 submitters: Uncertain significance (3). Last evaluated 2025-08-01.

Conditions:
Hereditary cancer-predisposing syndrome. Also called: Tumor predisposition; Hereditary neoplastic syndrome; Neoplastic Syndromes, Hereditary; Hereditary Cancer Syndrome. Identifiers: Orphanet 140162, MedGen C0027672, MeSH D009386, MONDO:0015356.
Familial adenomatous polyposis 1 (FAP1). Also called: POLYPOSIS, ADENOMATOUS INTESTINAL; FAMILIAL ADENOMATOUS POLYPOSIS 1, ATTENUATED. Identifiers: MedGen C2713442, MONDO:0021056, OMIM 175100. Disease mechanism: loss of function.

Allele frequency attached by ClinVar (database versions not stated): gnomAD exomes below 0.00001; TOPMed below 0.00001.
gnomAD v4.1: 1 of 1,614,016 alleles (0.000062%); highest among the groups gnomAD compares: African/African-American, 0.0013%; no homozygotes.

Submissions (3):

Ambry Genetics
Classification: Uncertain significance for Hereditary cancer-predisposing syndrome. Last evaluated: 2025-08-01. Review status: criteria provided, single submitter. Criteria: Ambry Variant Classification Scheme 2023. Collection method: clinical testing. Allele origin: germline.
Comment: The p.P2053L variant (also known as c.6158C>T), located in coding exon 15 of the APC gene, results from a C to T substitution at nucleotide position 6158. The proline at codon 2053 is replaced by leucine, an amino acid with similar properties. This amino acid position is conserved. In addition, in silico predictors for this gene do not accurately predict pathogenicity. Based on the available evidence, the clinical significance of this variant remains unclear.

GeneDx
Classification: Uncertain significance. Last evaluated: 2024-02-11. Review status: criteria provided, single submitter. Criteria: GeneDx Variant Classification Process June 2021. Collection method: clinical testing. Allele origin: germline. Affected: yes.
Comment: Not observed at significant frequency in large population cohorts (gnomAD); In silico analysis supports that this missense variant has a deleterious effect on protein structure/function; Has not been previously published as pathogenic or benign to our knowledge; This variant is associated with the following publications: (PMID: 18199528)

Labcorp Genetics (formerly Invitae), Labcorp
Classification: Uncertain significance for Familial adenomatous polyposis 1. Last evaluated: 2024-02-11. Review status: criteria provided, single submitter. Criteria: Invitae Variant Classification Sherloc (09022015). Collection method: clinical testing. Allele origin: germline.
Comment: This sequence change replaces proline, which is neutral and non-polar, with leucine, which is neutral and non-polar, at codon 2053 of the APC protein (p.Pro2053Leu). This variant is not present in population databases (gnomAD no frequency). This variant has not been reported in the literature in individuals affected with APC-related conditions. ClinVar contains an entry for this variant (Variation ID: 2578132). Advanced modeling of protein sequence and biophysical properties (such as structural, functional, and spatial information, amino acid conservation, physicochemical variation, residue mobility, and thermodynamic stability) performed at Invitae indicates that this missense variant is not expected to disrupt APC protein function with a negative predictive value of 95%. In summary, the available evidence is currently insufficient to determine the role of this variant in disease. Therefore, it has been classified as a Variant of Uncertain Significance.

NM_000038.6(APC):c.6158C>T (p.Pro2053Leu)

Gene: APC (APC regulator of Wnt signaling pathway; plus strand). Cytogenetic location: 5q22.2.
Variant type: single nucleotide variant.
Coding change: c.6158C>T on transcript NM_000038.6 (MANE Select); coding-DNA position 6158, C replaced by T.
Protein change: p.Pro2053Leu; replaces proline 2053 with leucine.
Molecular consequence: missense variant. On other transcripts: non-coding transcript variant (2).
Genome position (GRCh38, 1-based): chr5:112,841,752, C>T. VCF-style: chr5-112841752-C-T. GRCh37 (hg19) VCF-style: chr5-112177449-C-T.
Other names: c.6158C>T, p.Pro2053Leu (NM_001127510.3, NM_001354895.2, NM_001407450.1); c.6104C>T, p.Pro2035Leu (NM_001127511.3); c.6212C>T, p.Pro2071Leu (NM_001354896.2, NM_001407447.1, NM_001407448.1 and 1 more transcripts); c.6188C>T, p.Pro2063Leu (NM_001354897.2); c.6083C>T, p.Pro2028Leu (NM_001354898.2); c.6074C>T, p.Pro2025Leu (NM_001354899.2); c.6035C>T, p.Pro2012Leu (NM_001354900.2); c.5981C>T, p.Pro1994Leu (NM_001354901.2, NM_001407453.1); and 11 more; short protein forms P1669L, P1770L, P1893L, P1924L, P1927L, P1952L, P1962L, P1970L.
Identifiers: ClinVar variation 2578132 (VCV002578132.5), dbSNP rs1580668303, ClinGen allele CA16034819.